The following is an entry in ClinVar:

NM_005502.4(ABCA1):c.5299T>G (p.Tyr1767Asp)

Gene: ABCA1 (ATP binding cassette subfamily A member 1; minus strand). Cytogenetic location: 9q31.1.
Variant type: single nucleotide variant.
Coding change: c.5299T>G on transcript NM_005502.4 (MANE Select); coding-DNA position 5299, T replaced by G.
Protein change: p.Tyr1767Asp; replaces tyrosine 1767 with aspartic acid.
Molecular consequence: missense variant.
Genome position (GRCh38, 1-based): chr9:104,796,136, A>C on the plus strand (T>G on the coding strand, the complement: ABCA1 is on the minus strand). VCF-style: chr9-104796136-A-C. GRCh37 (hg19) VCF-style: chr9-107558417-A-C.
Other names: short protein forms Y1767D.
Identifiers: ClinVar variation 2506780 (VCV002506780.1), dbSNP rs1312399680, ClinGen allele CA374313498.
Genomic context (GRCh38, chr9:104,796,136, plus strand): 5'-CAAAGGTGGCCACGCTGCCATTAATGCCAATGAAGAGGTTCACGCTGGTGAGCACCACAT[A>C]GGCTGTGCTGGGGATCTTGAACACAAAGGAGGCTGGGTACATGAGAGGTGTGATTGACCA-3'
Protein context (NP_005493.2, residues 1757-1777): SFVFKIPSTA[Tyr1767Asp]VVLTSVNLFI

ClinVar aggregate classification (germline): Uncertain significance (1 of 4 stars; one submission).

Allele frequency attached by ClinVar (database versions not stated): gnomAD exomes below 0.00001 and 0.00001.
gnomAD v4.1: 8 of 1,614,022 alleles (0.0005%); highest among the groups gnomAD compares: Non-Finnish European, 0.00068%; no homozygotes.

Submission:

GeneDx
Classification: Uncertain significance. Last evaluated: 2023-06-22. Review status: criteria provided, single submitter. Criteria: GeneDx Variant Classification Process June 2021. Collection method: clinical testing. Allele origin: germline. Affected: yes.
Comment: Not observed at significant frequency in large population cohorts (gnomAD); In silico analysis supports that this missense variant has a deleterious effect on protein structure/function; Identified in a patient with low HDL cholesterol who also harbored a second variant in the ABCA1 gene (Sorrenson et al., 2013); This variant is associated with the following publications: (PMID: 23087442)